The following is an entry in ClinVar:

ClinVar aggregate classification (germline): Likely pathogenic (1 of 4 stars; one submission).

Conditions:
Metaphyseal chondrodysplasia, Schmid type (MCDS). Also called: SPONDYLOMETAPHYSEAL DYSPLASIA, JAPANESE TYPE. Identifiers: Orphanet 174, MedGen C0265289, MONDO:0007983, OMIM 156500.

Submission:

Clinical Genetics and Genomics, Karolinska University Hospital
Classification: Likely pathogenic for Metaphyseal chondrodysplasia, Schmid type. Last evaluated: 2026-04-07. Review status: criteria provided, single submitter. Criteria: ACMG Guidelines, 2015. Collection method: clinical testing. Allele origin: de novo. Affected: yes.
Comment: This variant is not present in population databases (gnomAD no frequency). Variants in close proximity have been determined to be pathogenic (PMID: 10721676, 15880705, 16088909, Variation ID: 17479, 1683461).

NM_000493.4(COL10A1):c.1768A>C (p.Thr590Pro)

Genes: COL10A1 (collagen type X alpha 1 chain; minus strand), NT5DC1 (5'-nucleotidase domain containing 1; plus strand). Cytogenetic location: 6q22.1.
Variant type: single nucleotide variant.
Coding change: c.1768A>C on transcript NM_000493.4 (MANE Select); coding-DNA position 1768, A replaced by C.
Protein change: p.Thr590Pro; replaces threonine 590 with proline.
Molecular consequence: missense variant. On other transcripts: intron variant (1).
Genome position (GRCh38, 1-based): chr6:116,120,348, T>G on the plus strand (A>C on the coding strand, the complement: COL10A1 is on the minus strand). VCF-style: chr6-116120348-T-G. GRCh37 (hg19) VCF-style: chr6-116441511-T-G.
Other names: c.1768A>C, p.Thr590Pro (NM_001424106.1, NM_001424107.1); c.529+2403T>G (NM_152729.3); short protein forms T590P.
Identifiers: ClinVar variation 4850906 (VCV004850906.1).